The following is an entry in ClinVar:

NM_000440.3(PDE6A):c.2316_2317delinsAT (p.Gln773Ter)

Gene: PDE6A (phosphodiesterase 6A; minus strand). Cytogenetic location: 5q32.
Variant type: Indel.
Coding change: c.2316_2317delinsAT on transcript NM_000440.3 (MANE Select); coding-DNA positions 2316 to 2317, TC replaced by AT.
Protein change: p.Gln773Ter; replaces glutamine 773 with a stop codon.
Molecular consequence: nonsense.
Genome position (GRCh38, 1-based): chr5:149,866,211-149,866,212, GA replaced by AT on the plus strand (TC replaced by AT on the coding strand, the reverse complement: PDE6A is on the minus strand). VCF-style: chr5-149866211-GA-AT. GRCh37 (hg19) VCF-style: chr5-149245774-GA-AT.
Other names: short protein forms Q773*.
Identifiers: ClinVar variation 1074528 (VCV001074528.7), dbSNP rs2113503389, ClinGen allele CA2499217723.

ClinVar aggregate classification (germline): Pathogenic (1 of 4 stars; one submission).

Submission:

Labcorp Genetics (formerly Invitae), Labcorp
Classification: Pathogenic. Last evaluated: 2024-06-12. Review status: criteria provided, single submitter. Criteria: Invitae Variant Classification Sherloc (09022015). Collection method: clinical testing. Allele origin: germline.
Comment: This sequence change creates a premature translational stop signal (p.Gln773*) in the PDE6A gene. It is expected to result in an absent or disrupted protein product. Loss-of-function variants in PDE6A are known to be pathogenic (PMID: 7493036, 22128245, 23847139). Information on the frequency of this variant in the gnomAD database is not available, as this variant may be reported differently in the database. This premature translational stop signal has been observed in individual(s) with retinitis pigmentosa (Invitae). ClinVar contains an entry for this variant (Variation ID: 1074528). For these reasons, this variant has been classified as Pathogenic.

Literature cited by the submitters: PubMed 7493036; PubMed 22128245; PubMed 23847139.